The following is an entry in ClinVar:

ClinVar aggregate classification (germline): Pathogenic (1 of 4 stars; one submission).

Conditions:
VPS13A-related neurodegenerative disease. Also called: ACANTHOCYTOSIS WITH NEUROLOGIC DISORDER; LEVINE-CRITCHLEY SYNDROME; Choreoacanthocytosis; Chorea-acanthocytosis; Choreaacanthocytosis; VPS13A Disease. Identifiers: Orphanet 2388, MedGen C0393576, MONDO:0008695, OMIM 200150.

Submission:

Myriad Genetics, Inc.
Classification: Pathogenic for VPS13A-related neurodegenerative disease. Last evaluated: 2024-05-14. Review status: criteria provided, single submitter. Criteria: Myriad Autosomal Dominant, Autosomal Recessive and X-Linked Classification Criteria (2023). Collection method: clinical testing. Allele origin: unknown.
Comment: NM_033305.2(VPS13A):c.7675_7676delAA(K2559Afs*16) is expected to be pathogenic in the context of VPS13A disease. This variant is predicted to lead to an abnormal or absent protein product due to the creation of a premature termination codon in VPS13A, a gene where loss-of-function variants are known to be pathogenic. Please note: this variant was assessed in the context of healthy population screening.

NM_033305.3(VPS13A):c.7675_7676del (p.Lys2559fs)

Gene: VPS13A (vacuolar protein sorting 13 homolog A; plus strand). Cytogenetic location: 9q21.2.
Variant type: Deletion.
Coding change: c.7675_7676del on transcript NM_033305.3 (MANE Select); coding-DNA positions 7675 to 7676, 2 bases deleted (AA; older notation c.7675_7676delAA).
Protein change: p.Lys2559fs; shifts the reading frame from lysine 2559.
Molecular consequence: frameshift variant.
Genome position (GRCh38, 1-based): chr9:77,356,736-77,356,737, AA deleted; deleting any 2 consecutive bases within chr9:77,356,735-77,356,737 gives the same sequence; the c. name uses the placement nearest the transcript's 3' end. VCF-style (leftmost placement, unchanged base first): chr9-77356734-CAA-C. GRCh37 (hg19) VCF-style: chr9-79971650-CAA-C.
Other names: c.7558_7559del, p.Lys2520fs (NM_001018037.2); c.7675_7676del, p.Lys2559fs (NM_001018038.3, NM_015186.4); short protein forms K2520fs, K2559fs.
Identifiers: ClinVar variation 5011786 (VCV005011786.1).